The following is an entry in ClinVar:

NM_000094.4(COL7A1):c.3803T>C (p.Val1268Ala)

Gene: COL7A1 (collagen type VII alpha 1 chain; minus strand). Cytogenetic location: 3p21.31.
Variant type: single nucleotide variant.
Coding change: c.3803T>C on transcript NM_000094.4 (MANE Select); coding-DNA position 3803, T replaced by C.
Protein change: p.Val1268Ala; replaces valine 1268 with alanine.
Molecular consequence: missense variant.
Genome position (GRCh38, 1-based): chr3:48,585,718, A>G on the plus strand (T>C on the coding strand, the complement: COL7A1 is on the minus strand). VCF-style: chr3-48585718-A-G. GRCh37 (hg19) VCF-style: chr3-48623151-A-G.
Other names: short protein forms V1268A.
Identifiers: ClinVar variation 2166291 (VCV002166291.4), dbSNP rs749211733, ClinGen allele CA2380390.
Genomic context (GRCh38, chr3:48,585,718, plus strand): 5'-AGGGTGCAGGGACAGATGTGGGGGACACTCACCGGGAGGCCAGGGTCGCCAGGAGGCCCA[A>G]CTTGTCCTCTCAGGCCCTAGGAAGGGTAATCAGTGAGACCTGTGCTGCCAACCTCTCCTG-3'
Protein context (NP_000085.1, residues 1258-1278): EPGEMGLRGQ[Val1268Ala]GPPGDPGLPG

ClinVar aggregate classification (germline): Uncertain significance. Review status: criteria provided, multiple submitters, no conflicts (2 of 4 stars). 2 submissions from 2 submitters: Uncertain significance (2). Last evaluated 2025-11-25.

Allele frequency attached by ClinVar (database versions not stated): ExAC 0.00001; gnomAD exomes 0.00004.
gnomAD v4.1: 56 of 1,613,854 alleles (0.0035%); highest among the groups gnomAD compares: Non-Finnish European, 0.0046%; no homozygotes.

Submissions (2):

Women's Health and Genetics/Laboratory Corporation of America, LabCorp
Classification: Uncertain significance. Last evaluated: 2025-11-25. Review status: criteria provided, single submitter. Criteria: LabCorp Variant Classification Summary - May 2015. Collection method: clinical testing. Allele origin: germline.

Labcorp Genetics (formerly Invitae), Labcorp
Classification: Uncertain significance. Last evaluated: 2025-10-07. Review status: criteria provided, single submitter. Criteria: Invitae Variant Classification Sherloc (09022015). Collection method: clinical testing. Allele origin: germline.
Comment: This sequence change replaces valine, which is neutral and non-polar, with alanine, which is neutral and non-polar, at codon 1268 of the COL7A1 protein (p.Val1268Ala). This variant is present in population databases (rs749211733, gnomAD 0.002%). This variant has not been reported in the literature in individuals affected with COL7A1-related conditions. ClinVar contains an entry for this variant (Variation ID: 2166291). Invitae Evidence Modeling of protein sequence and biophysical properties (such as structural, functional, and spatial information, amino acid conservation, physicochemical variation, residue mobility, and thermodynamic stability) indicates that this missense variant is not expected to disrupt COL7A1 protein function with a negative predictive value of 95%. In summary, the available evidence is currently insufficient to determine the role of this variant in disease. Therefore, it has been classified as a Variant of Uncertain Significance.